The following is an entry in ClinVar:

ClinVar aggregate classification (germline): Uncertain significance. Review status: criteria provided, multiple submitters, no conflicts (2 of 4 stars). 2 submissions from 2 submitters: Uncertain significance (2). Last evaluated 2023-12-04.

Conditions:
Autosomal dominant Parkinson disease 8. Also called: Parkinson disease 8, susceptibility to; LRRK2-Related Parkinson Disease; Parkinson disease 8. Identifiers: Orphanet 411602, MedGen C1846862, MONDO:0011764, OMIM 607060.
Inborn genetic diseases. Identifiers: MedGen C0950123, MeSH D030342.

gnomAD v4.1: 1 of 1,614,114 alleles (0.000062%); highest among the groups gnomAD compares: Non-Finnish European, 0.000085%; no homozygotes.

Submissions (2):

Ambry Genetics
Classification: Uncertain significance for Inborn genetic diseases. Last evaluated: 2023-12-04. Review status: criteria provided, single submitter. Criteria: Ambry Variant Classification Scheme 2023. Collection method: clinical testing. Allele origin: germline.
Comment: The p.E714Q variant (also known as c.2140G>C), located in coding exon 18 of the LRRK2 gene, results from a G to C substitution at nucleotide position 2140. The glutamic acid at codon 714 is replaced by glutamine, an amino acid with highly similar properties. This amino acid position is conserved. In addition, this alteration is predicted to be tolerated by in silico analysis. Since supporting evidence is limited at this time, the clinical significance of this alteration remains unclear.

Department of Pathology and Laboratory Medicine, Sinai Health System
Classification: Uncertain significance for Autosomal dominant Parkinson disease 8. Last evaluated: 2022-02-01. Review status: criteria provided, single submitter. Criteria: ACMG Guidelines, 2015. Collection method: research. Allele origin: germline.

NM_198578.4(LRRK2):c.2140G>C (p.Glu714Gln)

Gene: LRRK2 (leucine rich repeat kinase 2; plus strand). Cytogenetic location: 12q12.
Variant type: single nucleotide variant.
Coding change: c.2140G>C on transcript NM_198578.4 (MANE Select); coding-DNA position 2140, G replaced by C.
Protein change: p.Glu714Gln; replaces glutamic acid 714 with glutamine.
Molecular consequence: missense variant.
Genome position (GRCh38, 1-based): chr12:40,278,160, G>C. VCF-style: chr12-40278160-G-C. GRCh37 (hg19) VCF-style: chr12-40671962-G-C.
Other names: short protein forms E714Q.
Identifiers: ClinVar variation 1786584 (VCV001786584.3), dbSNP rs760009889, ClinGen allele CA384405114.